The following is an entry in ClinVar:

NM_004646.4(NPHS1):c.1255G>A (p.Ala419Thr)

Gene: NPHS1 (NPHS1 adhesion molecule, nephrin; minus strand). Cytogenetic location: 19q13.12.
Variant type: single nucleotide variant.
Coding change: c.1255G>A on transcript NM_004646.4 (MANE Select); coding-DNA position 1255, G replaced by A.
Protein change: p.Ala419Thr; replaces alanine 419 with threonine.
Molecular consequence: missense variant.
Genome position (GRCh38, 1-based): chr19:35,848,313, C>T on the plus strand (G>A on the coding strand, the complement: NPHS1 is on the minus strand). VCF-style: chr19-35848313-C-T. GRCh37 (hg19) VCF-style: chr19-36339215-C-T.
Other names: short protein forms A419T.
Identifiers: ClinVar variation 3344257 (VCV003344257.1).

ClinVar aggregate classification (germline): Likely pathogenic (0 of 4 stars; one submission).

Conditions:
NPHS1-related disorder. Also called: NPHS1-related condition.

gnomAD v4.1: 8 of 1,614,130 alleles (0.0005%); highest among the groups gnomAD compares: Non-Finnish European, 0.00068%; no homozygotes.

Submission:

PreventionGenetics, part of Exact Sciences
Classification: Likely pathogenic for NPHS1-related condition. Last evaluated: 2024-08-07. Review status: no assertion criteria provided. Collection method: clinical testing. Allele origin: germline.
Comment: The NPHS1 c.1255G>A variant is predicted to result in the amino acid substitution p.Ala419Thr. This variant has been reported in the compound heterozygous state with the known pathogenic variant p.Cys623Phe in an individual with congenital nephrotic syndrome likely due to reduced surface expression and endoplasmic reticulum (ER) retention of the mutant protein (Cooper et al. 2018. PubMed ID: 30212551). This variant is reported in 0.00088% of alleles in individuals of European (Non-Finnish) descent in gnomAD. This variant is interpreted as likely pathogenic.